The following is an entry in ClinVar:

NM_015474.4(SAMHD1):c.693G>A (p.Trp231Ter)

Gene: SAMHD1 (SAM and HD domain containing deoxynucleoside triphosphate triphosphohydrolase 1; minus strand). Cytogenetic location: 20q11.23.
Variant type: single nucleotide variant.
Coding change: c.693G>A on transcript NM_015474.4 (MANE Select); coding-DNA position 693, G replaced by A.
Protein change: p.Trp231Ter; replaces tryptophan 231 with a stop codon.
Molecular consequence: nonsense.
Genome position (GRCh38, 1-based): chr20:36,927,185, C>T on the plus strand (G>A on the coding strand, the complement: SAMHD1 is on the minus strand). VCF-style: chr20-36927185-C-T. GRCh37 (hg19) VCF-style: chr20-35555588-C-T.
Other names: c.693G>A, p.Trp231Ter (NM_001363729.2, NM_001363733.2); c.693G>A (NM_015474.3); short protein forms W231*.
Identifiers: ClinVar variation 1453299 (VCV001453299.8), dbSNP rs2063541685, ClinGen allele CA408821437.
Genomic context (GRCh38, chr20:36,927,185, plus strand): 5'-AATAACCTGCTTAAATAGTCTTTCTTTTTATTGACTATTGACTGTATGAATACATACCGT[C>T]CATTTCACCTCCGGGCGAGCAAGTGGAATAAATCGTCCATCAAACATGTGAGAAAATGGC-3'

ClinVar aggregate classification (germline): Pathogenic/Likely pathogenic. Review status: criteria provided, multiple submitters, no conflicts (2 of 4 stars). 3 submissions from 3 submitters: Pathogenic (2); Likely pathogenic (1). Last evaluated 2025-01-06.

Conditions:
Aicardi-Goutieres syndrome 5. Identifiers: Orphanet 51, MedGen C2749659, MONDO:0013059, OMIM 612952.
Aicardi Goutieres syndrome (AGS). Also called: Encephalopathy, familial infantile, with calcification of basal ganglia and chronic cerebrospinal fluid lymphocytosis. Identifiers: Orphanet 51, MedGen C0393591, MONDO:0018866.

Allele frequency attached by ClinVar (database versions not stated): gnomAD exomes below 0.00001; TOPMed 0.00001.

Submissions (3):

Labcorp Genetics (formerly Invitae), Labcorp
Classification: Pathogenic for Aicardi-Goutieres syndrome 5. Last evaluated: 2025-01-06. Review status: criteria provided, single submitter. Criteria: Invitae Variant Classification Sherloc (09022015). Collection method: clinical testing. Allele origin: germline.
Comment: This sequence change creates a premature translational stop signal (p.Trp231*) in the SAMHD1 gene. It is expected to result in an absent or disrupted protein product. Loss-of-function variants in SAMHD1 are known to be pathogenic (PMID: 19525956, 22461318). This variant is not present in population databases (gnomAD no frequency). This variant has not been reported in the literature in individuals affected with SAMHD1-related conditions. ClinVar contains an entry for this variant (Variation ID: 1453299). For these reasons, this variant has been classified as Pathogenic.

Natera, Inc.
Classification: Likely pathogenic for Aicardi-Goutieres syndrome. Last evaluated: 2024-12-03. Review status: criteria provided, single submitter. Criteria: Natera Variant Classification Schema (03/2026). Collection method: clinical testing. Allele origin: germline.
Comment: The c.693G>A variant in SAMHD1 is a nonsense variant predicted to introduce a stop codon at amino acid 231. This variant is expected to result in nonsense mediated decay, truncation, or a dysfunctional protein product. This variant is rare in the general population with a frequency below the threshold expected for the associated phenotype(s). Given the available evidence, this variant is classified as Likely Pathogenic.

ARUP Laboratories, Molecular Genetics and Genomics, ARUP Laboratories
Classification: Pathogenic. Last evaluated: 2023-12-20. Review status: criteria provided, single submitter. Criteria: ARUP Molecular Germline Variant Investigation Process 2024. Collection method: clinical testing. Allele origin: germline.
Comment: The SAMHD1 c.693G>A; p.Trp231Ter variant (rs2063541685), to our knowledge, is not reported in the medical literature but is reported in ClinVar (Variation ID: 1453299). This variant is absent from the Genome Aggregation Database (v2.1.1), indicating it is not a common polymorphism. This variant induces an early termination codon and is predicted to result in a truncated protein or mRNA subject to nonsense-mediated decay. Loss-of-function variants downstream of p.Trp231Ter have been reported in individuals with SAMHD1-related disease (Poot 2022, Rice 2009, Senju 2022). Based on available information, the p.Trp231Ter variant is considered to be pathogenic. References: Poot M. Deep White Matter Cysts in a Patient with Aicardi-Goutieres Syndrome and SAMHD1 Variants. Mol Syndromol. 2022 Feb;13(2):85-87. PMID: 35418821. Rice GI et al. Mutations involved in Aicardi-Goutieres syndrome implicate SAMHD1 as regulator of the innate immune response. Nat Genet. 2009 Jul;41(7):829-32. PMID: 19525956. Senju C et al. Aicardi-GoutiÃ¨res syndrome with SAMHD1 deficiency can be diagnosed by unscheduled DNA synthesis test. Front Pediatr. 2022 Nov 4;10:1048002. PMID: 36405817.

Literature cited by the submitters: PubMed 19525956 (cited by Labcorp Genetics (formerly Invitae), Labcorp); PubMed 22461318 (cited by Labcorp Genetics (formerly Invitae), Labcorp).